The following is an entry in ClinVar:

NM_001353345.2(SETD1B):c.5704C>T (p.Arg1902Cys)

Gene: SETD1B (SET domain containing 1B, histone lysine methyltransferase; plus strand). Cytogenetic location: 12q24.31.
Variant type: single nucleotide variant.
Coding change: c.5704C>T on transcript NM_001353345.2 (MANE Select); coding-DNA position 5704, C replaced by T.
Protein change: p.Arg1902Cys; replaces arginine 1902 with cysteine.
Molecular consequence: missense variant.
Genome position (GRCh38, 1-based): chr12:121,828,047, C>T. VCF-style: chr12-121828047-C-T. GRCh37 (hg19) VCF-style: chr12-122265953-C-T.
Other names: R1859C; NM_015048.1:c.5575C>T; c.5704C>T (NM_001353345.1); short protein forms R1902C.
Identifiers: ClinVar variation 977512 (VCV000977512.10), dbSNP rs1876922399, ClinGen allele CA387005491.

ClinVar aggregate classification (germline): Pathogenic/Likely pathogenic. Review status: criteria provided, multiple submitters, no conflicts (2 of 4 stars). 5 submissions from 5 submitters: Pathogenic (3); Likely pathogenic (1). 1 of the submissions does not count toward it. Last evaluated 2026-04-22.

Conditions:
Intellectual developmental disorder with seizures and language delay (IDDSELD). Identifiers: MedGen C5436574, MONDO:0033559, OMIM 619000.
Inborn genetic diseases. Identifiers: MedGen C0950123, MeSH D030342.
Paediatric disorders.

Submissions (5):

NHS Central & South Genomic Laboratory Hub
Classification: Pathogenic for Paediatric disorders. Last evaluated: 2026-04-22. Review status: criteria provided, single submitter. Criteria: ACMG Guidelines, 2015. Collection method: clinical testing. Allele origin: germline. Affected: yes.

Ambry Genetics
Classification: Likely pathogenic for Inborn genetic diseases. Last evaluated: 2023-06-30. Review status: criteria provided, single submitter. Criteria: Ambry Variant Classification Scheme 2023. Collection method: clinical testing. Allele origin: germline.
Comment: The c.5575C>T (p.R1859C) alteration is located in coding exon 16 of the SETD1B gene. This alteration results from a C to T substitution at nucleotide position 5575, causing the arginine (R) at amino acid position 1859 to be replaced by a cysteine (C). This variant was not reported in population-based cohorts in the Genome Aggregation Database (gnomAD). This variant has been determined to be the result of a de novo mutation in two individuals with features consistent with SETD1B-related neurodevelopmental disorder (Hiraide, 2018; Ambry internal data). This amino acid position is highly conserved in available vertebrate species. This alteration is predicted to be deleterious by in silico analysis. Based on the available evidence, this alteration is classified as likely pathogenic.

GeneDx
Classification: Pathogenic. Last evaluated: 2023-02-01. Review status: criteria provided, single submitter. Criteria: GeneDx Variant Classification Process June 2021. Collection method: clinical testing. Allele origin: germline. Affected: yes.
Comment: In silico analysis supports that this missense variant has a deleterious effect on protein structure/function; Not observed at significant frequency in large population cohorts (gnomAD); Also known as c.5575C>T p.R1859C due to use of alternate nomenclature; This variant is associated with the following publications: (PMID: 29322246, 31440728, 31685013, 35904121, 33644862, 34345025)

SIB Swiss Institute of Bioinformatics
Classification: Pathogenic for Intellectual developmental disorder with seizures and language delay. Last evaluated: 2021-04-13. Review status: criteria provided, single submitter. Criteria: ACMG Guidelines, 2015. Collection method: curation. Allele origin: unknown.
Comment: This variant is interpreted as pathogenic for Intellectual developmental disorder with seizures and language delay, autosomal dominant. The following ACMG Tag(s) were applied: Absent from controls (or at extremely low frequency if recessive) in Exome Sequencing Project, 1000 Genomes Project, or Exome Aggregation Consortium (PM2); De novo (paternity and maternity confirmed) (PS2); Assumed de novo, but no confirmation of paternity and maternity (PM6); Multiple lines of computational evidence support a deleterious effect on the gene or gene product (PP3); Missense variant in a gene that has a low rate of benign missense variation and in which missense variants are a common mechanism of disease (PP2).

OMIM
Classification: Pathogenic for INTELLECTUAL DEVELOPMENTAL DISORDER WITH SEIZURES AND LANGUAGE DELAY. Last evaluated: 2020-09-03. Review status: no assertion criteria provided. Collection method: literature only. Allele origin: germline. Not counted in ClinVar's aggregate classification.

Literature cited by the submitters: PubMed 29322246 (cited by Ambry Genetics and OMIM); PubMed 31440728 (cited by SIB Swiss Institute of Bioinformatics); PubMed 31685013 (cited by SIB Swiss Institute of Bioinformatics and OMIM).